The following is an entry in ClinVar:

NM_015443.4(KANSL1):c.1010_1011delinsTG (p.Ser337Leu)

Gene: KANSL1 (KAT8 regulatory NSL complex subunit 1). Cytogenetic location: 17q21.31.
Variant type: Indel.
Coding change: c.1010_1011delinsTG on transcript NM_015443.4 (MANE Select); coding-DNA positions 1010 to 1011, the reference bases replaced by TG.
Protein change: p.Ser337Leu; replaces serine 337 with leucine.
Molecular consequence: missense variant.
Genome position: GRCh38 VCF-style: chr17-46171133-GG-CA. GRCh37 (hg19) VCF-style: chr17-44248499-GG-CA.
Other names: c.1010_1011delinsTG, p.Ser337Leu (NM_001193465.2, NM_001193466.2, NM_001379198.1); short protein forms S337L.
Identifiers: ClinVar variation 422266 (VCV000422266.1), dbSNP rs1064795666, ClinGen allele CA16620460.

ClinVar aggregate classification (germline): Likely benign (1 of 4 stars; one submission).

Submission:

GeneDx
Classification: Likely benign. Last evaluated: 2016-09-16. Review status: criteria provided, single submitter. Criteria: GeneDx Variant Classification (06012015). Collection method: clinical testing. Allele origin: germline. Affected: yes.
Comment: This variant is considered likely benign or benign based on one or more of the following criteria: it is a conservative change, it occurs at a poorly conserved position in the protein, it is predicted to be benign by multiple in silico algorithms, and/or has population frequency not consistent with disease.